The following is an entry in ClinVar:

ClinVar aggregate classification (germline): Uncertain significance (1 of 4 stars; one submission).

gnomAD v4.1: 2 of 1,603,896 alleles (0.00012%); highest among the groups gnomAD compares: South Asian, 0.0011%; no homozygotes.

Submission:

Ambry Genetics
Classification: Uncertain significance. Last evaluated: 2025-11-30. Review status: criteria provided, single submitter. Criteria: Ambry Variant Classification Scheme 2023. Collection method: clinical testing. Allele origin: germline.
Comment: The p.M789V variant (also known as c.2365A>G), located in coding exon 5 of the CDK12 gene, results from an A to G substitution at nucleotide position 2365. The methionine at codon 789 is replaced by valine, an amino acid with highly similar properties. This amino acid position is conserved. In addition, the in silico prediction for this alteration is inconclusive. Based on the available evidence, the clinical significance of this variant remains unclear.

NM_016507.4(CDK12):c.2365A>G (p.Met789Val)

Gene: CDK12 (cyclin dependent kinase 12; plus strand). Cytogenetic location: 17q12.
Variant type: single nucleotide variant.
Coding change: c.2365A>G on transcript NM_016507.4 (MANE Select); coding-DNA position 2365, A replaced by G.
Protein change: p.Met789Val; replaces methionine 789 with valine.
Molecular consequence: missense variant.
Genome position (GRCh38, 1-based): chr17:39,494,640, A>G. VCF-style: chr17-39494640-A-G. GRCh37 (hg19) VCF-style: chr17-37650893-A-G.
Other names: c.2365A>G, p.Met789Val (NM_015083.4); short protein forms M789V.
Identifiers: ClinVar variation 4651476 (VCV004651476.1).